The following is an entry in ClinVar:

NM_138927.4(SON):c.5767C>T (p.Arg1923Ter)

Gene: SON (SON DNA and RNA binding protein; plus strand). Cytogenetic location: 21q22.11.
Variant type: single nucleotide variant.
Coding change: c.5767C>T on transcript NM_138927.4 (MANE Select); coding-DNA position 5767, C replaced by T.
Protein change: p.Arg1923Ter; replaces arginine 1923 with a stop codon.
Molecular consequence: nonsense. On other transcripts: non-coding transcript variant (1), intron variant (1).
Genome position (GRCh38, 1-based): chr21:33,554,998, C>T. VCF-style: chr21-33554998-C-T. GRCh37 (hg19) VCF-style: chr21-34927304-C-T.
Other names: c.5767C>T, p.Arg1923Ter (NM_001291411.2, NM_032195.3); c.245-2158C>T (NM_001291412.3); short protein forms R1923*.
Identifiers: ClinVar variation 489214 (VCV000489214.2), dbSNP rs1033229812, ClinGen allele CA410165505.

ClinVar aggregate classification (germline): Pathogenic (1 of 4 stars; one submission).

Submission:

GeneDx
Classification: Pathogenic. Last evaluated: 2017-12-07. Review status: criteria provided, single submitter. Criteria: GeneDx Variant Classification (06012015). Collection method: clinical testing. Allele origin: germline. Affected: yes.
Comment: The R1923X variant in the SON gene has not been reported previously as a pathogenic variant nor as a benign variant, to our knowledge. This variant is predicted to cause loss of normal protein function either through protein truncation or nonsense-mediated mRNA decay. The R1923X variant is not observed in large population cohorts (Lek et al., 2016). We interpret R1923X as a pathogenic variant.